The following is an entry in ClinVar:

ClinVar aggregate classification (germline): Pathogenic/Likely pathogenic. Review status: criteria provided, multiple submitters, no conflicts (2 of 4 stars). 2 submissions from 2 submitters: Pathogenic (1); Likely pathogenic (1). Last evaluated 2024-01-11.

Conditions:
Holocarboxylase synthetase deficiency. Also called: MULTIPLE CARBOXYLASE DEFICIENCY, EARLY ONSET. Identifiers: Orphanet 79242, MedGen C0268581, MONDO:0009666, OMIM 253270.

Allele frequency attached by ClinVar (database versions not stated): gnomAD exomes below 0.00001.

Submissions (2):

Baylor Genetics
Classification: Likely pathogenic for Holocarboxylase synthetase deficiency. Last evaluated: 2024-01-11. Review status: criteria provided, single submitter. Criteria: ACMG Guidelines, 2015. Collection method: clinical testing. Allele origin: unknown.

Myriad Genetics, Inc.
Classification: Pathogenic for Holocarboxylase synthetase deficiency. Last evaluated: 2023-08-11. Review status: criteria provided, single submitter. Criteria: Myriad Autosomal Dominant, Autosomal Recessive and X-Linked Classification Criteria (2023). Collection method: clinical testing. Allele origin: unknown.
Comment: NM_000411.6(HLCS):c.308delT(L103Rfs*155) is expected to be pathogenic in the context of holocarboxylase synthetase deficiency. This variant is predicted to lead to an abnormal or absent protein product due to the creation of a premature termination codon in HLCS, a gene where loss-of-function variants are known to be pathogenic. Please note: this variant was assessed in the context of healthy population screening.

NM_001352514.2(HLCS):c.749del (p.Leu250fs)

Gene: HLCS (holocarboxylase synthetase; minus strand). Cytogenetic location: 21q22.13.
Variant type: Deletion.
Coding change: c.749del on transcript NM_001352514.2 (MANE Select); coding-DNA position 749, one base deleted (T; older notation c.749delT).
Protein change: p.Leu250fs; shifts the reading frame from leucine 250.
Molecular consequence: frameshift variant. On other transcripts: non-coding transcript variant (2).
Genome position (GRCh38, 1-based): chr21:36,937,137, A deleted on the plus strand (T on the coding strand, the reverse complement: HLCS is on the minus strand). VCF-style (leftmost placement, unchanged base first): chr21-36937136-CA-C. GRCh37 (hg19) VCF-style: chr21-38309436-CA-C.
Other names: c.308del, p.Leu103fs (NM_000411.8, NM_001242784.3, NM_001242785.2 and 4 more transcripts); short protein forms L103fs, L250fs.
Identifiers: ClinVar variation 3241739 (VCV003241739.2), dbSNP rs1569218119.
Genomic context (GRCh38, chr21:36,937,136, plus strand): 5'-CGCAAACTTGACTGACTCAATGGTGCTGTTCTCAAGTTCCAGACACTCGTGGCAACTAGA[CA>C]GATGGAGGTGATAATGCTCAACGGGGCCCCCTCCCCTGTCACTGTCCCCAGCAGGCTCAC-3'